The following is an entry in ClinVar:

NM_170707.4(LMNA):c.1238del (p.Gly413fs)

Gene: LMNA (lamin A/C; plus strand). Cytogenetic location: 1q22.
Variant type: Deletion.
Coding change: c.1238del on transcript NM_170707.4 (MANE Select); coding-DNA position 1238, one base deleted (G; older notation c.1238delG).
Protein change: p.Gly413fs; shifts the reading frame from glycine 413.
Molecular consequence: frameshift variant.
Genome position (GRCh38, 1-based): chr1:156,136,294, G deleted; the last of 5 consecutive G bases (chr1:156,136,290-156,136,294); deleting any one gives the same sequence. VCF-style (leftmost placement, unchanged base first): chr1-156136289-TG-T. GRCh37 (hg19) VCF-style: chr1-156106080-TG-T.
Other names: c.902del, p.Gly301fs (NM_001257374.3); c.995del, p.Gly332fs (NM_001282624.2); c.1238del, p.Gly413fs (NM_001282625.2, NM_001282626.2, NM_005572.4 and 1 more transcripts); short protein forms G332fs, G413fs, G301fs.
Identifiers: ClinVar variation 1458896 (VCV001458896.9), dbSNP rs2102890051, ClinGen allele CA2573130612.

ClinVar aggregate classification (germline): Pathogenic. Review status: criteria provided, multiple submitters, no conflicts (2 of 4 stars). 2 submissions from 2 submitters: Pathogenic (2). Last evaluated 2025-07-09.

Conditions:
Cardiovascular phenotype. Identifiers: MedGen CN230736.
Charcot-Marie-Tooth disease type 2. Also called: Charcot-Marie-Tooth type 2. Identifiers: Orphanet 64746, MedGen C0270914, MONDO:0018993.

Submissions (2):

Ambry Genetics
Classification: Pathogenic for Cardiovascular phenotype. Last evaluated: 2025-07-09. Review status: criteria provided, single submitter. Criteria: Ambry Variant Classification Scheme 2023. Collection method: clinical testing. Allele origin: germline.
Comment: The c.1238delG pathogenic mutation, located in coding exon 7 of the LMNA gene, results from a deletion of one nucleotide at nucleotide position 1238, causing a translational frameshift with a predicted alternate stop codon (p.G413Afs*67). This mutation has been reported in an individual with familial partial lipodystrophy and myopathy, as well as in a cardiomyopathy/ arrhythmia genetic testing cohort with limited clinical details (Kwapich M et al. Diabetes Metab, 2019 09;45:382-389; van Lint FHM et al. Neth Heart J, 2019 Jun;27:304-309). This variant is considered to be rare based on population cohorts in the Genome Aggregation Database (gnomAD). In addition to the clinical data presented in the literature, this alteration is expected to result in loss of function by premature protein truncation or nonsense-mediated mRNA decay. As such, this alteration is interpreted as a disease-causing mutation.

Labcorp Genetics (formerly Invitae), Labcorp
Classification: Pathogenic for Charcot-Marie-Tooth disease type 2. Last evaluated: 2024-01-05. Review status: criteria provided, single submitter. Criteria: Invitae Variant Classification Sherloc (09022015). Collection method: clinical testing. Allele origin: germline.
Comment: This sequence change creates a premature translational stop signal (p.Gly413Alafs*67) in the LMNA gene. It is expected to result in an absent or disrupted protein product. Loss-of-function variants in LMNA are known to be pathogenic (PMID: 18585512, 18926329). This variant is not present in population databases (gnomAD no frequency). This premature translational stop signal has been observed in individual(s) with clinical features of LMNA-related conditions (PMID: 30847666). ClinVar contains an entry for this variant (Variation ID: 1458896). For these reasons, this variant has been classified as Pathogenic.

Literature cited by the submitters: PubMed 30165155 (cited by Ambry Genetics); PubMed 30287275 (cited by Ambry Genetics); PubMed 30847666 (cited by Ambry Genetics and Labcorp Genetics (formerly Invitae), Labcorp); PubMed 18585512 (cited by Labcorp Genetics (formerly Invitae), Labcorp); PubMed 18926329 (cited by Labcorp Genetics (formerly Invitae), Labcorp).